The following is an entry in ClinVar:

ClinVar aggregate classification (germline): Uncertain significance. Review status: reviewed by expert panel (3 of 4 stars). 2 submissions from 2 submitters: Uncertain significance (1). 1 of the submissions does not count toward it. Last evaluated 2026-06-04.

Conditions:
Glanzmann thrombasthenia. Also called: PLATELET GLYCOPROTEIN IIb-IIIa DEFICIENCY; Thrombasthenia; Glanzmann's thrombasthenia; THROMBASTHENIA OF GLANZMANN AND NAEGELI. Identifiers: Orphanet 849, MedGen C0040015, MONDO:0100326.

Submissions (2):

ClinGen Platelet Disorders Variant Curation Expert Panel, ClinGen
Classification: Uncertain significance for Glanzmann thrombasthenia. Last evaluated: 2026-06-04. Review status: reviewed by expert panel. Criteria: ClinGen Platelet ACMG Specifications v2-1. Collection method: curation. Allele origin: germline. Inheritance: Autosomal recessive inheritance.
Comment: The NM_000212.3(ITGB3):c.1658_1660del (p.Ser553del) variant is predicted to cause a change in the length of the protein due to an in-frame deletion of 1 amino acid in a non-repeat region (PM4). The highest population minor allele frequency in gnomAD v4.1 is 0.00006667 (4/60000alleles) in the Admixed American genetic ancestry group, which is lower than the ClinGen PD VCEP threshold (<0.0001; PM2_Supporting). At least one asserted homozygous GT patient has been reported (PMID: 31029159) but basis of diagnosis was insufficient for consideration. In summary, this variant meets the criteria to be classified as uncertain significance for autosomal recessive Glanzmann Thrombasthenia based on the ACMG/AMP criteria applied, as specified by the ClinGen PD VCEP: PM4, PM2_supporting, PM3 (VCEP specifications version 2.1).

Labcorp Genetics (formerly Invitae), Labcorp
Classification: Uncertain significance. Last evaluated: 2024-12-19. Review status: criteria provided, single submitter. Criteria: Invitae Variant Classification Sherloc (09022015). Collection method: clinical testing. Allele origin: germline. Not counted in ClinVar's aggregate classification.
Comment: This variant, c.1658_1660del, results in the deletion of 1 amino acid(s) of the ITGB3 protein (p.Ser553del), but otherwise preserves the integrity of the reading frame. This variant is present in population databases (no rsID available, gnomAD 0.01%). This variant has been observed in individual(s) with Glanzmann thrombasthenia (PMID: 31029159). ClinVar contains an entry for this variant (Variation ID: 2498372). Experimental studies and prediction algorithms are not available or were not evaluated, and the functional significance of this variant is currently unknown. In summary, the available evidence is currently insufficient to determine the role of this variant in disease. Therefore, it has been classified as a Variant of Uncertain Significance.

Literature cited by the submitters: PubMed 31029159 (cited by Labcorp Genetics (formerly Invitae), Labcorp).

NM_000212.3(ITGB3):c.1658_1660del (p.Ser553del)

Gene: ITGB3 (integrin subunit beta 3; plus strand). Cytogenetic location: 17q21.32.
Variant type: Deletion.
Coding change: c.1658_1660del on transcript NM_000212.3 (MANE Select); coding-DNA positions 1658 to 1660, 3 bases deleted (CCT; older notation c.1658_1660delCCT).
Protein change: p.Ser553del; deletes serine 553.
Molecular consequence: inframe deletion.
Genome position (GRCh38, 1-based): chr17:47,292,536-47,292,538, CCT deleted; deleting any 3 consecutive bases within chr17:47,292,534-47,292,538 gives the same sequence; the c. name uses the placement nearest the transcript's 3' end. VCF-style (leftmost placement, unchanged base first): chr17-47292533-TCTC-T. GRCh37 (hg19) VCF-style: chr17-45369899-TCTC-T.
Other names: NM_000212.3:c.1658_1660del; short protein forms S553del.
Identifiers: ClinVar variation 2498372 (VCV002498372.5), dbSNP rs1378984668, ClinGen allele CA626684826.